The following is an entry in ClinVar:

NM_153766.3(KCNJ1):c.354G>T (p.Glu118Asp)

Gene: KCNJ1 (potassium inwardly rectifying channel subfamily J member 1; minus strand). Cytogenetic location: 11q24.3.
Variant type: single nucleotide variant.
Coding change: c.354G>T on transcript NM_153766.3 (MANE Select); coding-DNA position 354, G replaced by T.
Protein change: p.Glu118Asp; replaces glutamic acid 118 with aspartic acid.
Molecular consequence: missense variant.
Genome position (GRCh38, 1-based): chr11:128,839,890, C>A on the plus strand (G>T on the coding strand, the complement: KCNJ1 is on the minus strand). VCF-style: chr11-128839890-C-A. GRCh37 (hg19) VCF-style: chr11-128709785-C-A.
Other names: c.411G>T, p.Glu137Asp (NM_000220.6); c.354G>T, p.Glu118Asp (NM_153764.3, NM_153767.4); c.405G>T, p.Glu135Asp (NM_153765.3); short protein forms E118D, E135D, E137D.
Identifiers: ClinVar variation 845432 (VCV000845432.7), dbSNP rs1943250143, ClinGen allele CA383245729.

ClinVar aggregate classification (germline): Uncertain significance (1 of 4 stars; one submission).

Submission:

Labcorp Genetics (formerly Invitae), Labcorp
Classification: Uncertain significance. Last evaluated: 2019-04-01. Review status: criteria provided, single submitter. Criteria: Invitae Variant Classification Sherloc (09022015). Collection method: clinical testing. Allele origin: germline.
Comment: In summary, the available evidence is currently insufficient to determine the role of this variant in disease. Therefore, it has been classified as a Variant of Uncertain Significance. Algorithms developed to predict the effect of missense changes on protein structure and function (SIFT, PolyPhen-2, Align-GVGD) all suggest that this variant is likely to be disruptive, but these predictions have not been confirmed by published functional studies and their clinical significance is uncertain. This variant has not been reported in the literature in individuals with KCNJ1-related conditions. This variant is not present in population databases (ExAC no frequency). This sequence change replaces glutamic acid with aspartic acid at codon 137 of the KCNJ1 protein (p.Glu137Asp). The glutamic acid residue is highly conserved and there is a small physicochemical difference between glutamic acid and aspartic acid.